The following is an entry in ClinVar:

NM_004260.4(RECQL4):c.2599G>A (p.Ala867Thr)

Gene: RECQL4 (RecQ like helicase 4; minus strand). Cytogenetic location: 8q24.3.
Variant type: single nucleotide variant.
Coding change: c.2599G>A on transcript NM_004260.4 (MANE Select); coding-DNA position 2599, G replaced by A.
Protein change: p.Ala867Thr; replaces alanine 867 with threonine.
Molecular consequence: missense variant.
Genome position (GRCh38, 1-based): chr8:144,513,003, C>T on the plus strand (G>A on the coding strand, the complement: RECQL4 is on the minus strand). VCF-style: chr8-144513003-C-T. GRCh37 (hg19) VCF-style: chr8-145738386-C-T.
Other names: short protein forms A867T.
Identifiers: ClinVar variation 955625 (VCV000955625.8), dbSNP rs1000281324, ClinGen allele CA187681635.
Genomic context (GRCh38, chr8:144,513,003, plus strand): 5'-GGCTAAGCTGCTCAGCCTCTTGAGGGGGGTACTTGGGCACAGGCCTCTCCCCACCCACGG[C>T]CCCTTCCTGCTCCGAGGGCGGCCTGGTGCAGGTGCAGGTGCAGGCTGGGAACACGCGCTG-3'
Protein context (NP_004251.4, residues 857-877): CTRPPSEQEG[Ala867Thr]VGGERPVPKY

ClinVar aggregate classification (germline): Uncertain significance. Review status: criteria provided, multiple submitters, no conflicts (2 of 4 stars). 2 submissions from 2 submitters: Uncertain significance (2). Last evaluated 2026-01-22.

Conditions:
Baller-Gerold syndrome (BGS). Also called: CRANIOSYNOSTOSIS WITH RADIAL DEFECTS. Identifiers: Orphanet 1225, MedGen C0265308, MONDO:0009039, OMIM 218600.

gnomAD v4.1: 2 of 1,570,476 alleles (0.00013%); highest among the groups gnomAD compares: Admixed American, 0.0019%; no homozygotes.

Submissions (2):

Dasa
Classification: Uncertain significance. Last evaluated: 2026-01-22. Review status: criteria provided, single submitter. Criteria: DASA Assertion Criteria. Collection method: clinical testing. Allele origin: germline.
Comment: NM_004260.4(RECQL4):c.2599G>A (p.Ala867Thr) is a missense variant that results in the substitution of alanine with threonine. This variant is rare in population databases. The currently available literature and clinical evidence are not sufficient to establish a definitive association between this variant and the reported condition. Therefore, this variant is classified as a variant of uncertain significance.

Labcorp Genetics (formerly Invitae), Labcorp
Classification: Uncertain significance for Baller-Gerold syndrome. Last evaluated: 2023-07-17. Review status: criteria provided, single submitter. Criteria: Invitae Variant Classification Sherloc (09022015). Collection method: clinical testing. Allele origin: germline.
Comment: In summary, the available evidence is currently insufficient to determine the role of this variant in disease. Therefore, it has been classified as a Variant of Uncertain Significance. Experimental studies and prediction algorithms are not available or were not evaluated, and the functional significance of this variant is currently unknown. ClinVar contains an entry for this variant (Variation ID: 955625). This variant has not been reported in the literature in individuals affected with RECQL4-related conditions. This variant is not present in population databases (gnomAD no frequency). This sequence change replaces alanine, which is neutral and non-polar, with threonine, which is neutral and polar, at codon 867 of the RECQL4 protein (p.Ala867Thr).